The following is an entry in ClinVar:

ClinVar aggregate classification (germline): Uncertain significance (1 of 4 stars; one submission).

Conditions:
Progressive myoclonic epilepsy. Also called: Familial progressive myoclonic epilepsy; Progressive myoclonus epilepsy; Myoclonic Epilepsies, Progressive; Myoclonus epilepsy. Identifiers: Orphanet 308, Orphanet 98261, MedGen C0751778, MONDO:0020074.

gnomAD v4.1: 1 of 1,546,518 alleles (0.000065%); highest among the groups gnomAD compares: Non-Finnish European, 0.000088%; no homozygotes.

Submission:

Labcorp Genetics (formerly Invitae), Labcorp
Classification: Uncertain significance for Progressive myoclonic epilepsy. Last evaluated: 2022-08-22. Review status: criteria provided, single submitter. Criteria: Invitae Variant Classification Sherloc (09022015). Collection method: clinical testing. Allele origin: germline.
Comment: In summary, the available evidence is currently insufficient to determine the role of this variant in disease. Therefore, it has been classified as a Variant of Uncertain Significance. Disruption of the initiator codon has been observed in individual(s) with clinical features of GOSR2-related conditions (PMID: 29855340). In at least one individual the data is consistent with being in trans (on the opposite chromosome) from a pathogenic variant. This variant is not present in population databases (gnomAD no frequency). This sequence change affects the initiator methionine of the GOSR2 mRNA. The next in-frame methionine is located at codon 19.

Literature cited by the submitters: PubMed 29855340.

NM_004287.5(GOSR2):c.3G>T (p.Met1Ile)

Genes: GOSR2 (golgi SNAP receptor complex member 2; plus strand), LRRC37A2 (leucine rich repeat containing 37 member A2). Cytogenetic location: 17q21.32.
Variant type: single nucleotide variant.
Coding change: c.3G>T on transcript NM_004287.5 (MANE Select); coding-DNA position 3, G replaced by T.
Protein change: p.Met1Ile; changes the start codon (methionine 1).
Molecular consequence: missense variant, initiator codon variant. On other transcripts: 5 prime UTR variant (2), non-coding transcript variant (3).
Genome position (GRCh38, 1-based): chr17:46,923,195, G>T. VCF-style: chr17-46923195-G-T. GRCh37 (hg19) VCF-style: chr17-45000561-G-T.
Other names: c.3G>T, p.Met1Ile (NM_001012511.3, NM_001321133.2, NM_001330252.2 and 4 more transcripts); c.-100G>T (NM_001321134.2); c.-463G>T (NM_001363851.2); short protein forms M1I.
Identifiers: ClinVar variation 2091522 (VCV002091522.5), dbSNP rs1174104260, ClinGen allele CA400015675.